The following is an entry in ClinVar:

ClinVar aggregate classification (germline): Pathogenic/Likely pathogenic. Review status: criteria provided, multiple submitters, no conflicts (2 of 4 stars). 14 submissions from 13 submitters: Pathogenic (9); Likely pathogenic (4). 1 of the submissions does not count toward it. Last evaluated 2026-04-01.

Conditions:
Severe early-childhood-onset retinal dystrophy (STGD1). Also called: MACULAR DYSTROPHY WITH FLECKS, TYPE 1; STGD; Stargardt macular dystrophy; Juvenile onset macular degeneration; Stargardt disease 1. Identifiers: Orphanet 364055, Orphanet 827, MedGen C1855465, MeSH D000080362, MONDO:0009549, OMIM 248200.
Cone-rod dystrophy 3 (CORD3). Identifiers: Orphanet 1872, MedGen C1858806, MONDO:0011395, OMIM 604116.
Retinitis pigmentosa 19 (RP19). Also called: ABCA4-Related Retinitis Pigmentosa. Identifiers: Orphanet 791, MedGen C1866422, MONDO:0011137, OMIM 601718.
ABCA4-related disorder. Also called: ABCA4-related condition; ABCA4-related disorders. Identifiers: MedGen CN239167.
Age related macular degeneration 2. Also called: MACULAR DEGENERATION, SENILE; MACULOPATHY, AGE-RELATED, 2; MACULOPATHY, AGE-RELATED. Identifiers: MedGen C3495438, MONDO:0007932, OMIM 153800.
Retinal dystrophy. Also called: Inherited retinal dystrophy. Identifiers: Orphanet 71862, MedGen C0854723, MeSH D058499, MONDO:0019118, HP:0000556.
Stargardt disease (FFM). Also called: Fundus flavimaculatus; Stargardt's disease. Identifiers: Orphanet 827, MedGen C0271093, MONDO:0019353.
Retinal disorder. Also called: Retinopathy; Retinal disorders; Retinopathies; Retinal Diseases. Identifiers: MedGen C0035309, MONDO:0005283, HP:0000488.

Allele frequency attached by ClinVar (database versions not stated): gnomAD 0.00004; ESP Exome Variant Server 0.00008; TOPMed 0.00008.
gnomAD v4.1: 129 of 1,614,050 alleles (0.008%); highest among the groups gnomAD compares: Non-Finnish European, 0.0098%; no homozygotes.

Submissions (14):

PreventionGenetics, part of Exact Sciences
Classification: Pathogenic for ABCA4-related condition. Last evaluated: 2026-04-01. Review status: criteria provided, single submitter. Criteria: ACMG Guidelines, 2015. Collection method: clinical testing. Allele origin: germline.
Comment: The ABCA4 c.161G>A variant is predicted to result in the amino acid substitution p.Cys54Tyr. This variant has been reported, in the homozygous state or in the heterozygous state with a second ABCA4 variant, in many individuals with Stargardt disease and other ABCA4-related retinal disorders (Birch et al. 2001. PubMed ID: 11846518; Zhao et al. 2015. PubMed ID: 25472526; Stone et al. 2017. PubMed ID: 28559085; Fujinami et al. 2019. PubMed ID: 29925512; Lynn et al. 2023. PubMed ID: 36672815) and has been observed to segregate with disease in at least two large families (Zhang et al. 1999. PubMed ID: 10612508; Papaioannou et al. 2000. PubMed ID: 10634594). An in vitro splicing assay demonstrated that this variant has a "moderately severe" impact at the adjacent canonical acceptor site, leading to increased exon-skipping relative to wild type (Fadaie et al. 2019. PubMed ID: 31397521). An additional missense variant at the same amino acid (p.Cys54Gly) has also been reported in patients with ABCA4-related disease (Özgül et al. 2004. PubMed ID: 15108289; Schulz et al. 2017. PubMed ID: 28118664). This variant is present in 0.0070% of alleles in individuals of European (Non-Finnish) descent in gnomAD. Taken together, this variant is interpreted as pathogenic.

Genetics Laboratory, Great Ormond Street Hospital NHS Foundation Trust, North Thames Genomic Laboratory Hub
Classification: Pathogenic for Retinal disorders. Last evaluated: 2025-10-27. Review status: criteria provided, single submitter. Criteria: ACGS Best Practice Guidelines for Variant Classification in Rare Disease 2024 v1.2. Collection method: clinical testing. Allele origin: germline. Affected: yes.
Comment: PM2_moderate, PP3_supporting, PM5_moderate, PS3_supporting, PP1_strong, PM3_very-strong

Labcorp Genetics (formerly Invitae), Labcorp
Classification: Pathogenic. Last evaluated: 2025-10-15. Review status: criteria provided, single submitter. Criteria: Invitae Variant Classification Sherloc (09022015). Collection method: clinical testing. Allele origin: germline.
Comment: This sequence change replaces cysteine, which is neutral and slightly polar, with tyrosine, which is neutral and polar, at codon 54 of the ABCA4 protein (p.Cys54Tyr). This variant is present in population databases (rs150774447, gnomAD 0.007%). This missense change has been observed in individual(s) with Stargardt disease (PMID: 10612508, 10634594, 11726554, 11846518, 19074458). In at least one individual the data is consistent with being in trans (on the opposite chromosome) from a pathogenic variant. It has also been observed to segregate with disease in related individuals. ClinVar contains an entry for this variant (Variation ID: 99065). An algorithm developed to predict the effect of missense changes on protein structure and function (PolyPhen-2) suggests that this variant is likely to be disruptive. For these reasons, this variant has been classified as Pathogenic.

CeGaT Center for Human Genetics Tuebingen
Classification: Pathogenic. Last evaluated: 2025-05-01. Review status: criteria provided, single submitter. Criteria: CeGaT Center For Human Genetics Tuebingen Variant Classification Criteria Version 2. Collection method: clinical testing. Allele origin: germline. Affected: yes. Observed: 3 variant alleles.
Comment: ABCA4: PM3:Very Strong, PP1:Strong, PM2, PM5, PP3, PS3:Supporting

First Genomix Gene Laboratory, Genetic Diagnostics Department
Classification: Pathogenic for Cone-rod dystrophy 3; Severe early-childhood-onset retinal dystrophy; Retinitis pigmentosa 19. Last evaluated: 2025-03-19. Review status: criteria provided, single submitter. Criteria: ACMG Guidelines, 2015. Collection method: clinical testing. Allele origin: germline. Inheritance: Autosomal recessive inheritance. Affected: no. Observed: 1 variant allele.

Blueprint Genetics
Classification: Pathogenic for ABCA4-related disorders. Last evaluated: 2024-11-22. Review status: criteria provided, single submitter. Criteria: ACMG Guidelines, 2015. Collection method: clinical testing. Allele origin: germline. Affected: yes. Observed: 5 variant alleles.

Fulgent Genetics
Classification: Pathogenic for Age related macular degeneration 2; Severe early-childhood-onset retinal dystrophy; Retinitis pigmentosa 19; Cone-rod dystrophy 3. Last evaluated: 2024-04-28. Review status: criteria provided, single submitter. Criteria: ACMG Guidelines, 2015. Collection method: clinical testing. Allele origin: germline.

GeneDx
Classification: Pathogenic. Last evaluated: 2024-01-10. Review status: criteria provided, single submitter. Criteria: GeneDx Variant Classification Process June 2021. Collection method: clinical testing. Allele origin: germline. Affected: yes.
Comment: In silico analysis supports that this missense variant has a deleterious effect on protein structure/function; This variant is associated with the following publications: (PMID: 31429209, 32531858, 33706644, 35456422, 10612508, 25910913, 9973280, 25082885, 25472526, 19217903, 17325179, 14517951, 26527198, 28118664, 30609409, 29925512, 28559085, 31397521, 31980526, 33369172, 35753512, 31963381)

Institute of Human Genetics, Univ. Regensburg, Univ. Regensburg
Classification: Likely pathogenic for Retinal dystrophy. Last evaluated: 2023-01-01. Review status: criteria provided, single submitter. Criteria: ACMG Guidelines, 2015. Collection method: clinical testing. Allele origin: germline. Affected: yes.

Laboratory for Molecular Medicine, Mass General Brigham Personalized Medicine
Classification: Likely pathogenic for Stargardt disease. Last evaluated: 2017-11-22. Review status: criteria provided, single submitter. Criteria: LMM Criteria. Collection method: clinical testing. Allele origin: germline. Inheritance: Autosomal recessive inheritance. Observed: 1 variant allele.
Comment: The p.Cys54Tyr (NM_000350.2 c.161G>A) variant in ABCA4 has been reported in at l east 6 compound heterozygotes, 1 homozygote, and 6 individuals without a second pathogenic variant listed, all who had ABCA4-associated retinal degenerations or Stargardt disease (Lewis 1999, Zhang 1999, Aleman 2007, Cella 2009, Fujinami 20 13, Alipati 2014, and Zhao 2015). This variant also segreagated with disease in 3 individuals. This variant has been reported in ClinVar (Variation ID#99065) an d has been identified in 0.007% (9/126642) of European chromosomes by the Genome Aggregation Database (gnomAD; dbSNP rs1507744 47). Although this variant has been seen in the general population, its frequenc y is low enough to be consistent with a recessive carrier frequency. Computation al prediction tools and conservation analysis suggest that the p.Cys54Tyr varian t may impact the protein, though this information is not predictive enough to de termine pathogenicity. In summary, although additional studies are required to f ully establish its clinical significance, the p.Cys54Tyr variant is likely patho genic for Stargardt disease in an autosomal recessive manner based on its occurr ence in individuals with this disease. ACMG/AMP Criteria applied: PM3_Strong; PM 2; PP1; PP3 (Richards 2015).

Eurofins Ntd Llc (ga)
Classification: Pathogenic. Last evaluated: 2016-12-05. Review status: criteria provided, single submitter. Criteria: EGL Classification Definitions 2015. Collection method: clinical testing. Allele origin: germline. Observed: 4 variant alleles, 4 heterozygotes.

Institute of Human Genetics, Univ. Regensburg, Univ. Regensburg
Classification: Likely pathogenic for Severe early-childhood-onset retinal dystrophy. Last evaluated: 2016-01-01. Review status: criteria provided, single submitter. Criteria: Schulz et al. (Invest Ophthalmol Vis Sci. 2017). Collection method: clinical testing. Allele origin: germline. Affected: yes. Observed: 1 heterozygote.

Lupski Lab, Baylor-Hopkins CMG, Baylor College of Medicine
Classification: Likely pathogenic for Severe early-childhood-onset retinal dystrophy. Review status: criteria provided, single submitter. Criteria: Lee et al. (Hum Genet 2016). Collection method: research. Allele origin: germline. Inheritance: Autosomal recessive inheritance. Affected: yes and no. Observed: 1 heterozygote, 1 compound heterozygote.
Comment: identified in compound heterozygous state in affected individual/s with macular isease

Retina International
No classification provided. Review status: no classification provided. Collection method: not provided. Allele origin: not provided. Not counted in ClinVar's aggregate classification.

Literature cited by the submitters: PubMed 10612508 (cited by 4 submitters); PubMed 10634594 (cited by Labcorp Genetics (formerly Invitae), Labcorp); PubMed 11726554 (cited by Labcorp Genetics (formerly Invitae), Labcorp); PubMed 11846518 (cited by Labcorp Genetics (formerly Invitae), Labcorp); PubMed 19074458 (cited by Labcorp Genetics (formerly Invitae), Labcorp); PubMed 9973280 (cited by 3 submitters); PubMed 19217903 (cited by 3 submitters); PubMed 25082885 (cited by 3 submitters); PubMed 25910913 (cited by Institute of Human Genetics, Univ. Regensburg, Univ. Regensburg and Laboratory for Molecular Medicine, Mass General Brigham Personalized Medicine); PubMed 25472526 (cited by 3 submitters); PubMed 28559085 (cited by Institute of Human Genetics, Univ. Regensburg, Univ. Regensburg); PubMed 30609409 (cited by Institute of Human Genetics, Univ. Regensburg, Univ. Regensburg); PubMed 31397521 (cited by Institute of Human Genetics, Univ. Regensburg, Univ. Regensburg); PubMed 29925512 (cited by Institute of Human Genetics, Univ. Regensburg, Univ. Regensburg); PubMed 31964843 (cited by Institute of Human Genetics, Univ. Regensburg, Univ. Regensburg); PubMed 31429209 (cited by Institute of Human Genetics, Univ. Regensburg, Univ. Regensburg); PubMed 31980526 (cited by Institute of Human Genetics, Univ. Regensburg, Univ. Regensburg); PubMed 32307445 (cited by Institute of Human Genetics, Univ. Regensburg, Univ. Regensburg); PubMed 32531858 (cited by Institute of Human Genetics, Univ. Regensburg, Univ. Regensburg); PubMed 31963381 (cited by Institute of Human Genetics, Univ. Regensburg, Univ. Regensburg); PubMed 33706644 (cited by Institute of Human Genetics, Univ. Regensburg, Univ. Regensburg); PubMed 33369172 (cited by Institute of Human Genetics, Univ. Regensburg, Univ. Regensburg); PubMed 35076026 (cited by Institute of Human Genetics, Univ. Regensburg, Univ. Regensburg); PubMed 35753512 (cited by Institute of Human Genetics, Univ. Regensburg, Univ. Regensburg); PubMed 35456422 (cited by Institute of Human Genetics, Univ. Regensburg, Univ. Regensburg); PubMed 36672815 (cited by Institute of Human Genetics, Univ. Regensburg, Univ. Regensburg); PubMed 25066811 (cited by Laboratory for Molecular Medicine, Mass General Brigham Personalized Medicine); PubMed 23982839 (cited by Laboratory for Molecular Medicine, Mass General Brigham Personalized Medicine); PubMed 22328824 (cited by Laboratory for Molecular Medicine, Mass General Brigham Personalized Medicine); PubMed 14517951 (cited by Laboratory for Molecular Medicine, Mass General Brigham Personalized Medicine); PubMed 17325179 (cited by Laboratory for Molecular Medicine, Mass General Brigham Personalized Medicine).

NM_000350.3(ABCA4):c.161G>A (p.Cys54Tyr)

Gene: ABCA4 (ATP binding cassette subfamily A member 4; minus strand). Cytogenetic location: 1p22.1.
Variant type: single nucleotide variant.
Coding change: c.161G>A on transcript NM_000350.3 (MANE Select); coding-DNA position 161, G replaced by A.
Protein change: p.Cys54Tyr; replaces cysteine 54 with tyrosine.
Molecular consequence: missense variant.
Genome position (GRCh38, 1-based): chr1:94,111,579, C>T on the plus strand (G>A on the coding strand, the complement: ABCA4 is on the minus strand). VCF-style: chr1-94111579-C-T. GRCh37 (hg19) VCF-style: chr1-94577135-C-T.
Other names: c.161G>A, p.Cys54Tyr (NM_001425324.1); short protein forms C54Y.
Identifiers: ClinVar variation 99065 (VCV000099065.53), dbSNP rs150774447, ClinGen allele CA226908.